The following is an entry in ClinVar:

NM_016292.3(TRAP1):c.1867C>T (p.Arg623Cys)

Genes: DNASE1 (deoxyribonuclease 1; plus strand), TRAP1 (TNF receptor associated protein 1; minus strand). Cytogenetic location: 16p13.3.
Variant type: single nucleotide variant.
Coding change: c.1867C>T on transcript NM_016292.3 (MANE Select); coding-DNA position 1867, C replaced by T.
Protein change: p.Arg623Cys; replaces arginine 623 with cysteine.
Molecular consequence: missense variant. On other transcripts: intron variant (1).
Genome position (GRCh38, 1-based): chr16:3,662,060, G>A on the plus strand (C>T on the coding strand, the complement: TRAP1 is on the minus strand). VCF-style: chr16-3662060-G-A. GRCh37 (hg19) VCF-style: chr16-3712061-G-A.
Other names: c.1708C>T, p.Arg570Cys (NM_001272049.2); c.*22-586G>A (NM_001387140.1); short protein forms R570C, R623C.
Identifiers: ClinVar variation 4744303 (VCV004744303.1).

ClinVar aggregate classification (germline): Uncertain significance (1 of 4 stars; one submission).

gnomAD v4.1: 93 of 1,613,424 alleles (0.0058%); highest among the groups gnomAD compares: South Asian, 0.013%; no homozygotes.

Submission:

Labcorp Genetics (formerly Invitae), Labcorp
Classification: Uncertain significance. Last evaluated: 2025-12-09. Review status: criteria provided, single submitter. Criteria: Invitae Variant Classification Sherloc (09022015). Collection method: clinical testing. Allele origin: germline.
Comment: This sequence change replaces arginine, which is basic and polar, with cysteine, which is neutral and slightly polar, at codon 623 of the TRAP1 protein (p.Arg623Cys). This variant is present in population databases (rs192869535, gnomAD 0.01%). This variant has not been reported in the literature in individuals affected with TRAP1-related conditions. Invitae Evidence Modeling of protein sequence and biophysical properties (such as structural, functional, and spatial information, amino acid conservation, physicochemical variation, residue mobility, and thermodynamic stability) indicates that this missense variant is expected to disrupt TRAP1 protein function with a positive predictive value of 80%. In summary, the available evidence is currently insufficient to determine the role of this variant in disease. Therefore, it has been classified as a Variant of Uncertain Significance.